The following is an entry in ClinVar:

NM_001376.5(DYNC1H1):c.875G>A (p.Arg292Gln)

Gene: DYNC1H1 (dynein cytoplasmic 1 heavy chain 1; plus strand). Cytogenetic location: 14q32.31.
Variant type: single nucleotide variant.
Coding change: c.875G>A on transcript NM_001376.5 (MANE Select); coding-DNA position 875, G replaced by A.
Protein change: p.Arg292Gln; replaces arginine 292 with glutamine.
Molecular consequence: missense variant.
Genome position (GRCh38, 1-based): chr14:101,980,464, G>A. VCF-style: chr14-101980464-G-A. GRCh37 (hg19) VCF-style: chr14-102446801-G-A.
Other names: short protein forms R292Q.
Identifiers: ClinVar variation 3049866 (VCV003049866.2), dbSNP rs2047850697, ClinGen allele CA391010041.

ClinVar aggregate classification (germline): Uncertain significance (0 of 4 stars; one submission).

Conditions:
DYNC1H1-related disorder. Also called: DYNC1H1-related condition; DYNC1H1-related disorders. Identifiers: MedGen CN381529.

Allele frequency attached by ClinVar (database versions not stated): gnomAD exomes below 0.00001; gnomAD 0.00001.
gnomAD v4.1: 3 of 1,614,066 alleles (0.00019%); highest among the groups gnomAD compares: African/African-American, 0.0013%; no homozygotes.

Submission:

PreventionGenetics, part of Exact Sciences
Classification: Uncertain significance for DYNC1H1-related condition. Last evaluated: 2023-10-25. Review status: no assertion criteria provided. Collection method: clinical testing. Allele origin: germline.
Comment: The DYNC1H1 c.875G>A variant is predicted to result in the amino acid substitution p.Arg292Gln. To our knowledge, this variant has not been reported in the literature or in a large population database, indicating this variant is rare. At this time, the clinical significance of this variant is uncertain due to the absence of conclusive functional and genetic evidence.